The following is an entry in ClinVar:

ClinVar aggregate classification (germline): Uncertain significance (1 of 4 stars; one submission).

Conditions:
Cardiovascular phenotype. Identifiers: MedGen CN230736.

Submission:

Ambry Genetics
Classification: Uncertain significance for Cardiovascular phenotype. Last evaluated: 2026-07-02. Review status: criteria provided, single submitter. Criteria: Ambry Variant Classification Scheme 2023. Collection method: clinical testing. Allele origin: germline.
Comment: The p.S36R variant (also known as c.108C>A), located in coding exon 2 of the APOB gene, results from a C to A substitution at nucleotide position 108. The serine at codon 36 is replaced by arginine, an amino acid with dissimilar properties. This amino acid position is conserved. In addition, this alteration is predicted to be tolerated by in silico analysis. Based on the available evidence, the clinical significance of this variant remains unclear.

NM_000384.3(APOB):c.108C>A (p.Ser36Arg)

Genes: APOB (apolipoprotein B; minus strand), LOC106560211 (APOB 5' regulatory region; plus strand). Cytogenetic location: 2p24.1.
Variant type: single nucleotide variant.
Coding change: c.108C>A on transcript NM_000384.3 (MANE Select); coding-DNA position 108, C replaced by A.
Protein change: p.Ser36Arg; replaces serine 36 with arginine.
Molecular consequence: missense variant.
Genome position (GRCh38, 1-based): chr2:21,043,526, G>T on the plus strand (C>A on the coding strand, the complement: APOB is on the minus strand). VCF-style: chr2-21043526-G-T. GRCh37 (hg19) VCF-style: chr2-21266398-G-T.
Other names: short protein forms S36R.
Identifiers: ClinVar variation 5027207 (VCV005027207.1).